The following is an entry in ClinVar:

ClinVar aggregate classification (germline): Uncertain significance. Review status: criteria provided, multiple submitters, no conflicts (2 of 4 stars). 9 submissions from 9 submitters: Uncertain significance (7). 2 of the submissions do not count toward it. Last evaluated 2026-07-07.

Conditions:
Cardiovascular phenotype. Identifiers: MedGen CN230736.
Primary familial hypertrophic cardiomyopathy (HCM). Identifiers: Orphanet 99739, MedGen C0949658, MeSH D024741, MONDO:0024573. Inheritance: Various modes of inheritance.
Dilated cardiomyopathy 1AA (CMD1AA). Also called: CARDIOMYOPATHY, DILATED, 1AA, WITH OR WITHOUT LEFT VENTRICULAR NONCOMPACTION; CARDIOMYOPATHY, FAMILIAL HYPERTROPHIC, 23, WITH OR WITHOUT LEFT VENTRICULAR NONCOMPACTION; Cardiomyopathy, dilated, 1AA, with or without LVNC. Identifiers: Orphanet 154, MedGen C2677338, MONDO:0012808, OMIM 612158.
Hypertrophic cardiomyopathy. Also called: HYPERTROPHIC MYOCARDIOPATHY. Identifiers: Orphanet 217569, MedGen C0007194, MeSH D002312, MONDO:0005045, HP:0001639.

Allele frequency attached by ClinVar (database versions not stated): ExAC 0.00001; gnomAD exomes 0.00001 and 0.00002; TOPMed 0.00001; gnomAD 0.00002.
gnomAD v4.1: 36 of 1,614,022 alleles (0.0022%); highest among the groups gnomAD compares: Non-Finnish European, 0.0029%; no homozygotes.

Submissions (9):

Petrovsky National Research Centre of Surgery, The Federal Agency for Scientific Organizations
Classification: Uncertain significance for Primary familial hypertrophic cardiomyopathy. Last evaluated: 2026-07-07. Review status: criteria provided, single submitter. Criteria: ACMG Guidelines, 2015. Collection method: research. Allele origin: unknown. Inheritance: Autosomal dominant inheritance. Affected: yes. Observed: 1 variant allele, 1 heterozygote.
Comment: This variant is in The Genome Aggregation Database (gnomAD) v4.1.0 with total AF=0.00002230 (Date of access 06-07-2026).

Labcorp Genetics (formerly Invitae), Labcorp
Classification: Uncertain significance for Primary familial hypertrophic cardiomyopathy; Dilated cardiomyopathy 1AA. Last evaluated: 2026-01-26. Review status: criteria provided, single submitter. Criteria: Invitae Variant Classification Sherloc (09022015). Collection method: clinical testing. Allele origin: germline.
Comment: This sequence change replaces arginine, which is basic and polar, with cysteine, which is neutral and slightly polar, at codon 796 of the ACTN2 protein (p.Arg796Cys). This variant is present in population databases (rs397516574, gnomAD 0.004%). This missense change has been observed in individual(s) with hypertrophic cardiomyopathy (PMID: 27532257, 31513939, 34598319). ClinVar contains an entry for this variant (Variation ID: 43928). Invitae Evidence Modeling of protein sequence and biophysical properties (such as structural, functional, and spatial information, amino acid conservation, physicochemical variation, residue mobility, and thermodynamic stability) indicates that this missense variant is expected to disrupt ACTN2 protein function with a positive predictive value of 95%. In summary, the available evidence is currently insufficient to determine the role of this variant in disease. Therefore, it has been classified as a Variant of Uncertain Significance.

Dasa
Classification: Uncertain significance. Last evaluated: 2025-06-28. Review status: criteria provided, single submitter. Criteria: DASA Assertion Criteria. Collection method: clinical testing. Allele origin: germline.
Comment: NM_001103.4(ACTN2):c.2386C>T (p.Arg796Cys) is a missense variant that results in the substitution of arginine with cysteine. This variant is rare in population databases. Computational prediction algorithms are consistent with a deleterious effect. The currently available literature and clinical evidence are not sufficient to establish a definitive association between this variant and the reported condition. Therefore, this variant is classified as a variant of uncertain significance.

GeneDx
Classification: Uncertain significance. Last evaluated: 2023-12-02. Review status: criteria provided, single submitter. Criteria: GeneDx Variant Classification Process June 2021. Collection method: clinical testing. Allele origin: germline. Affected: yes.
Comment: Not observed at significant frequency in large population cohorts (gnomAD); In silico analysis supports that this missense variant has a deleterious effect on protein structure/function; This variant is associated with the following publications: (PMID: 27532257, 34598319, 31513939)

Ambry Genetics
Classification: Uncertain significance for Cardiovascular phenotype. Last evaluated: 2020-01-14. Review status: criteria provided, single submitter. Criteria: Ambry Variant Classification Scheme 2023. Collection method: clinical testing. Allele origin: germline.

Center for Human Genetics, University of Leuven
Classification: Uncertain significance for Hypertrophic cardiomyopathy. Last evaluated: 2018-10-31. Review status: criteria provided, single submitter. Criteria: ACMG Guidelines, 2015. Collection method: clinical testing. Allele origin: germline. Affected: yes.

Laboratory for Molecular Medicine, Mass General Brigham Personalized Medicine
Classification: Uncertain significance. Last evaluated: 2011-10-13. Review status: criteria provided, single submitter. Criteria: LMM Criteria. Collection method: clinical testing. Allele origin: germline. Observed: 1 variant allele.
Comment: Variant classified as Uncertain Significance - Favor Pathogenic. The Arg796Cys v ariant has not been reported or previously identified by our laboratory out of > 350 Caucasian probands (>700 chromosomes) tested. Arginine (Arg) at position 796 is highly conserved across evolutionarily distant species, increasing the likel ihood that a change would not be tolerated. In addition, three computational mod els (AlignGVGD, Polyphen2, SIFT) predict this change to be deleterious, though t he accuracy of these tools is unknown. Although this data suggests that the Arg 796Cys variant may be pathogenic, additional information is required to assess t he clinical significance of this variant.

Clinical Genetics, Academic Medical Center
Classification: Uncertain significance. Review status: no assertion criteria provided. Collection method: clinical testing. Allele origin: germline. Affected: yes. Study: VKGL Data-share Consensus. Not counted in ClinVar's aggregate classification.

Diagnostic Laboratory, Department of Genetics, University Medical Center Groningen
Classification: Uncertain significance. Review status: no assertion criteria provided. Collection method: clinical testing. Allele origin: germline. Affected: yes. Study: VKGL Data-share Consensus. Not counted in ClinVar's aggregate classification.

Literature cited by the submitters: PubMed 27532257 (cited by Labcorp Genetics (formerly Invitae), Labcorp); PubMed 31513939 (cited by Labcorp Genetics (formerly Invitae), Labcorp); PubMed 34598319 (cited by Labcorp Genetics (formerly Invitae), Labcorp).

NM_001103.4(ACTN2):c.2386C>T (p.Arg796Cys)

Gene: ACTN2 (actinin alpha 2; plus strand). Cytogenetic location: 1q43.
Variant type: single nucleotide variant.
Coding change: c.2386C>T on transcript NM_001103.4 (MANE Select); coding-DNA position 2386, C replaced by T.
Protein change: p.Arg796Cys; replaces arginine 796 with cysteine.
Molecular consequence: missense variant.
Genome position (GRCh38, 1-based): chr1:236,761,033, C>T. VCF-style: chr1-236761033-C-T. GRCh37 (hg19) VCF-style: chr1-236924333-C-T.
Other names: c.2386C>T, p.Arg796Cys (NM_001278343.2); c.1762C>T, p.Arg588Cys (NM_001278344.2); short protein forms R796C, R588C.
Identifiers: ClinVar variation 43928 (VCV000043928.24), dbSNP rs397516574, ClinGen allele CA133180.
Genomic context (GRCh38, chr1:236,761,033, plus strand): 5'-GTGTACCGTTCGTGTACATGTTTCTTTGCCACTTTGCCCCAGGGTGAAGCCGAATTTGCC[C>T]GCATTATGACCCTGGTAGATCCCAACGGGCAAGGCACCGTCACCTTCCAATCCTTCATCG-3'
Protein context (NP_001094.1, residues 786-806): GYDLGEAEFA[Arg796Cys]IMTLVDPNGQ